The following is an entry in ClinVar:

NM_000540.3(RYR1):c.4276A>G (p.Ile1426Val)

Gene: RYR1 (ryanodine receptor 1; plus strand). Cytogenetic location: 19q13.2.
Variant type: single nucleotide variant.
Coding change: c.4276A>G on transcript NM_000540.3 (MANE Select); coding-DNA position 4276, A replaced by G.
Protein change: p.Ile1426Val; replaces isoleucine 1426 with valine.
Molecular consequence: missense variant.
Genome position (GRCh38, 1-based): chr19:38,475,433, A>G. VCF-style: chr19-38475433-A-G. GRCh37 (hg19) VCF-style: chr19-38966073-A-G.
Other names: c.4276A>G, p.Ile1426Val (NM_001042723.2); short protein forms I1426V.
Identifiers: ClinVar variation 2435598 (VCV002435598.6), dbSNP rs1968671799, ClinGen allele CA081477.

ClinVar aggregate classification (germline): Uncertain significance. Review status: criteria provided, multiple submitters, no conflicts (2 of 4 stars). 3 submissions from 3 submitters: Uncertain significance (3). Last evaluated 2026-07-02.

Conditions:
Inborn genetic diseases. Identifiers: MedGen C0950123, MeSH D030342.
RYR1-related disorder. Also called: RYR1-related condition; RYR1-related disorders. Identifiers: MedGen CN239331.

Allele frequency attached by ClinVar (database versions not stated): gnomAD 0.00001; gnomAD exomes below 0.00001.
gnomAD v4.1: 3 of 1,613,756 alleles (0.00019%); highest among the groups gnomAD compares: Non-Finnish European, 0.00025%; no homozygotes.

Submissions (3):

Ambry Genetics
Classification: Uncertain significance for Inborn genetic diseases. Last evaluated: 2026-07-02. Review status: criteria provided, single submitter. Criteria: Ambry Variant Classification Scheme 2023. Collection method: clinical testing. Allele origin: germline.
Comment: The p.I1426V variant (also known as c.4276A>G), located in coding exon 29 of the RYR1 gene, results from an A to G substitution at nucleotide position 4276. The isoleucine at codon 1426 is replaced by valine, an amino acid with highly similar properties. This amino acid position is conserved. In addition, the in silico prediction for this alteration is inconclusive. Based on the available evidence, the clinical significance of this variant remains unclear.

Labcorp Genetics (formerly Invitae), Labcorp
Classification: Uncertain significance for RYR1-related disorder. Last evaluated: 2024-04-03. Review status: criteria provided, single submitter. Criteria: Invitae Variant Classification Sherloc (09022015). Collection method: clinical testing. Allele origin: germline.
Comment: This sequence change replaces isoleucine, which is neutral and non-polar, with valine, which is neutral and non-polar, at codon 1426 of the RYR1 protein (p.Ile1426Val). This variant is not present in population databases (gnomAD no frequency). This variant has not been reported in the literature in individuals affected with RYR1-related conditions. ClinVar contains an entry for this variant (Variation ID: 2435598). Advanced modeling of protein sequence and biophysical properties (such as structural, functional, and spatial information, amino acid conservation, physicochemical variation, residue mobility, and thermodynamic stability) has been performed at Invitae for this missense variant, however the output from this modeling did not meet the statistical confidence thresholds required to predict the impact of this variant on RYR1 protein function. In summary, the available evidence is currently insufficient to determine the role of this variant in disease. Therefore, it has been classified as a Variant of Uncertain Significance.

Revvity Omics, Revvity
Classification: Uncertain significance. Last evaluated: 2022-07-08. Review status: criteria provided, single submitter. Criteria: ACMG Guidelines, 2015. Collection method: clinical testing. Allele origin: germline.